The following is an entry in ClinVar:

NM_001145715.3(KPNA7):c.1241C>T (p.Pro414Leu)

Gene: KPNA7 (karyopherin subunit alpha 7; minus strand). Cytogenetic location: 7q22.1.
Variant type: single nucleotide variant.
Coding change: c.1241C>T on transcript NM_001145715.3 (MANE Select); coding-DNA position 1241, C replaced by T.
Protein change: p.Pro414Leu; replaces proline 414 with leucine.
Molecular consequence: missense variant.
Genome position (GRCh38, 1-based): chr7:99,181,959, G>A on the plus strand (C>T on the coding strand, the complement: KPNA7 is on the minus strand). VCF-style: chr7-99181959-G-A. GRCh37 (hg19) VCF-style: chr7-98779582-G-A.
Other names: short protein forms P414L.
Identifiers: ClinVar variation 1008782 (VCV001008782.10), dbSNP rs762142648, ClinGen allele CA368418004.

ClinVar aggregate classification (germline): Uncertain significance (1 of 4 stars; one submission).

gnomAD v4.1: 1 of 1,551,418 alleles (0.000064%); highest among the groups gnomAD compares: Non-Finnish European, 0.000087%; no homozygotes.

Submission:

Labcorp Genetics (formerly Invitae), Labcorp
Classification: Uncertain significance. Last evaluated: 2020-07-24. Review status: criteria provided, single submitter. Criteria: Invitae Variant Classification Sherloc (09022015). Collection method: clinical testing. Allele origin: germline.
Comment: This sequence change replaces proline with leucine at codon 414 of the KPNA7 protein (p.Pro414Leu). The proline residue is highly conserved and there is a moderate physicochemical difference between proline and leucine. This variant is not present in population databases (ExAC no frequency). In summary, the available evidence is currently insufficient to determine the role of this variant in disease. Therefore, it has been classified as a Variant of Uncertain Significance. Algorithms developed to predict the effect of missense changes on protein structure and function (SIFT, PolyPhen-2, Align-GVGD) all suggest that this variant is likely to be disruptive, but these predictions have not been confirmed by published functional studies and their clinical significance is uncertain. This variant has not been reported in the literature in individuals with KPNA7-related conditions.